The following is an entry in ClinVar:

NM_004304.5(ALK):c.4414G>C (p.Glu1472Gln)

Gene: ALK (ALK receptor tyrosine kinase; minus strand). Cytogenetic location: 2p23.2.
Variant type: single nucleotide variant.
Coding change: c.4414G>C on transcript NM_004304.5 (MANE Select); coding-DNA position 4414, G replaced by C.
Protein change: p.Glu1472Gln; replaces glutamic acid 1472 with glutamine.
Molecular consequence: missense variant.
Genome position (GRCh38, 1-based): chr2:29,193,673, C>G on the plus strand (G>C on the coding strand, the complement: ALK is on the minus strand). VCF-style: chr2-29193673-C-G. GRCh37 (hg19) VCF-style: chr2-29416539-C-G.
Other names: c.1210G>C, p.Glu404Gln (NM_001353765.2); short protein forms E1472Q, E404Q.
Identifiers: ClinVar variation 4040949 (VCV004040949.1).

ClinVar aggregate classification (germline): Uncertain significance (1 of 4 stars; one submission).

Conditions:
Hereditary cancer-predisposing syndrome. Also called: Neoplastic Syndromes, Hereditary; Tumor predisposition; Hereditary neoplastic syndrome; Hereditary Cancer Syndrome. Identifiers: Orphanet 140162, MedGen C0027672, MeSH D009386, MONDO:0015356.

Submission:

Ambry Genetics
Classification: Uncertain significance for Hereditary cancer-predisposing syndrome. Last evaluated: 2025-05-19. Review status: criteria provided, single submitter. Criteria: Ambry Variant Classification Scheme 2023. Collection method: clinical testing. Allele origin: germline.
Comment: The p.E1472Q variant (also known as c.4414G>C), located in coding exon 29 of the ALK gene, results from a G to C substitution at nucleotide position 4414. The glutamic acid at codon 1472 is replaced by glutamine, an amino acid with highly similar properties. This amino acid position is conserved. In addition, this alteration is predicted to be tolerated by in silico analysis. Based on the available evidence, the clinical significance of this variant remains unclear.